The following is an entry in ClinVar:

ClinVar aggregate classification (germline): Conflicting classifications of pathogenicity. Review status: criteria provided, conflicting classifications (1 of 4 stars). 3 submissions from 3 submitters: Pathogenic (1); Uncertain significance (2). Last evaluated 2026-06-01.

Conditions:
Inborn genetic diseases. Identifiers: MedGen C0950123, MeSH D030342.
Early-infantile DEE. Also called: Early infantile epileptic encephalopathy; Early infantile epileptic encephalopathy with suppression bursts; Ohtahara syndrome. Identifiers: Orphanet 1934, MedGen C0393706, MONDO:0800491.

Allele frequency attached by ClinVar (database versions not stated): gnomAD exomes below 0.00001.

Submissions (3):

GeneDx
Classification: Pathogenic. Last evaluated: 2026-06-01. Review status: criteria provided, single submitter. Criteria: GeneDx Variant Classification Process June 2021. Collection method: clinical testing. Allele origin: germline.
Comment: In silico analysis supports that this missense variant has a deleterious effect on protein structure/function; Not observed at significant frequency in large population cohorts (gnomAD); This variant is associated with the following publications: (PMID: 36823201, 34979445, 32040247, 26029160)

Labcorp Genetics (formerly Invitae), Labcorp
Classification: Uncertain significance for Early-infantile DEE. Last evaluated: 2022-12-08. Review status: criteria provided, single submitter. Criteria: Invitae Variant Classification Sherloc (09022015). Collection method: clinical testing. Allele origin: germline.
Comment: This missense change has been observed in individual(s) with clinical features of SCN8A-related conditions (PMID: 32040247). ClinVar contains an entry for this variant (Variation ID: 1371421). Advanced modeling of protein sequence and biophysical properties (such as structural, functional, and spatial information, amino acid conservation, physicochemical variation, residue mobility, and thermodynamic stability) performed at Invitae indicates that this missense variant is expected to disrupt SCN8A protein function. In summary, the available evidence is currently insufficient to determine the role of this variant in disease. Therefore, it has been classified as a Variant of Uncertain Significance. This variant is not present in population databases (gnomAD no frequency). This sequence change replaces methionine, which is neutral and non-polar, with valine, which is neutral and non-polar, at codon 1492 of the SCN8A protein (p.Met1492Val).

Ambry Genetics
Classification: Uncertain significance for Inborn genetic diseases. Last evaluated: 2017-11-03. Review status: criteria provided, single submitter. Criteria: Ambry Variant Classification Scheme 2023. Collection method: clinical testing. Allele origin: germline.
Comment: The p.M1492V variant (also known as c.4474A>G), located in coding exon 24 of the SCN8A gene, results from an A to G substitution at nucleotide position 4474. The methionine at codon 1492 is replaced by valine, an amino acid with highly similar properties. This amino acid position is highly conserved in available vertebrate species. In addition, this alteration is predicted to be deleterious by in silico analysis. Since supporting evidence is limited at this time, the clinical significance of this alteration remains unclear.

Literature cited by the submitters: PubMed 32040247 (cited by Labcorp Genetics (formerly Invitae), Labcorp).

NM_001330260.2(SCN8A):c.4474A>G (p.Met1492Val)

Gene: SCN8A (sodium voltage-gated channel alpha subunit 8; plus strand). Cytogenetic location: 12q13.13.
Variant type: single nucleotide variant.
Coding change: c.4474A>G on transcript NM_001330260.2 (MANE Select); coding-DNA position 4474, A replaced by G.
Protein change: p.Met1492Val; replaces methionine 1492 with valine.
Molecular consequence: missense variant.
Genome position (GRCh38, 1-based): chr12:51,790,452, A>G. VCF-style: chr12-51790452-A-G. GRCh37 (hg19) VCF-style: chr12-52184236-A-G.
Other names: c.4351A>G, p.Met1451Val (NM_001177984.3, NM_001369788.1); c.4474A>G, p.Met1492Val (NM_014191.4); c.4474A>G (NM_014191.3); short protein forms M1451V, M1492V.
Identifiers: ClinVar variation 1371421 (VCV001371421.13), dbSNP rs1938215673, ClinGen allele CA384909127.
Genomic context (GRCh38, chr12:51,790,452, plus strand): 5'-CTTTACTTCGGAGGTCAGGACATCTTCATGACCGAAGAACAGAAGAAGTACTACAATGCC[A>G]TGAAAAAGCTGGGCTCAAAGAAGCCACAGAAACCTATTCCCCGCCCCTTGGTAAGTGCAT-3'
Protein context (NP_001317189.1, residues 1482-1502): TEEQKKYYNA[Met1492Val]KKLGSKKPQK